The following is an entry in ClinVar:

NM_000170.3(GLDC):c.334+1G>C

Gene: GLDC (glycine decarboxylase; minus strand). Cytogenetic location: 9p24.1.
Variant type: single nucleotide variant.
Coding change: c.334+1G>C on transcript NM_000170.3 (MANE Select); the canonical splice donor site of the intron after coding-DNA position 334, G replaced by C.
Molecular consequence: splice donor variant.
Genome position (GRCh38, 1-based): chr9:6,644,613, C>G on the plus strand (G>C on the coding strand, the complement: GLDC is on the minus strand). VCF-style: chr9-6644613-C-G. GRCh37 (hg19) VCF-style: chr9-6644613-C-G.
Identifiers: ClinVar variation 555408 (VCV000555408.5), dbSNP rs978795483, ClinGen allele CA372885476.
Genomic context (GRCh38, chr9:6,644,613, plus strand): 5'-ACCACAAAAGACAAATAGGCCAGAATAATCTAAGTCCAAGGGAGCCCTCCCGGCCACTTA[C>G]AAACAGGGTCTTCCATTTTCAAGGGTCTTTTCAAACGGATGTTGGCAGGGACCGTCTTCT-3'

ClinVar aggregate classification (germline): Pathogenic. Review status: criteria provided, single submitter (1 of 4 stars). 2 submissions from 2 submitters: Pathogenic (1). 1 of the submissions does not count toward it. Last evaluated 2023-04-07.

Conditions:
Glycine encephalopathy 1 (GCE1). Identifiers: MedGen CN376801, MONDO:0958179, OMIM 605899.
Glycine encephalopathy. Also called: Non-ketotic hyperglycinemia; Nonketotic hyperglycinemia. Identifiers: Orphanet 407, MedGen C0751748, MONDO:0011612, HP:0008288.

gnomAD v4.1: 2 of 1,606,686 alleles (0.00012%); highest among the groups gnomAD compares: Non-Finnish European, 0.00017%; no homozygotes.

Submissions (2):

Labcorp Genetics (formerly Invitae), Labcorp
Classification: Pathogenic for Glycine encephalopathy. Last evaluated: 2023-04-07. Review status: criteria provided, single submitter. Criteria: Invitae Variant Classification Sherloc (09022015). Collection method: clinical testing. Allele origin: germline.
Comment: For these reasons, this variant has been classified as Pathogenic. Algorithms developed to predict the effect of sequence changes on RNA splicing suggest that this variant may disrupt the consensus splice site. ClinVar contains an entry for this variant (Variation ID: 555408). Disruption of this splice site has been observed in individual(s) with glycine encephalopathy (PMID: 27362913). This variant is not present in population databases (gnomAD no frequency). This sequence change affects a donor splice site in intron 2 of the GLDC gene. It is expected to disrupt RNA splicing. Variants that disrupt the donor or acceptor splice site typically lead to a loss of protein function (PMID: 16199547), and loss-of-function variants in GLDC are known to be pathogenic (PMID: 16601880).

Counsyl
Classification: Likely pathogenic for Glycine encephalopathy 1. Last evaluated: 2017-12-04. Review status: no assertion criteria provided. Collection method: clinical testing. Allele origin: unknown. Not counted in ClinVar's aggregate classification.

Literature cited by the submitters: PubMed 27362913 (cited by Labcorp Genetics (formerly Invitae), Labcorp); PubMed 16199547 (cited by Labcorp Genetics (formerly Invitae), Labcorp); PubMed 16601880 (cited by Labcorp Genetics (formerly Invitae), Labcorp).